The following is an entry in ClinVar:

NM_001365951.3(KIF1B):c.3864+4C>T

Gene: KIF1B (kinesin family member 1B; plus strand). Cytogenetic location: 1p36.22.
Variant type: single nucleotide variant.
Coding change: c.3864+4C>T on transcript NM_001365951.3 (MANE Select); 4 bases into the intron after coding-DNA position 3864, C replaced by T.
Molecular consequence: intron variant.
Genome position (GRCh38, 1-based): chr1:10,347,831, C>T. VCF-style: chr1-10347831-C-T. GRCh37 (hg19) VCF-style: chr1-10407889-C-T.
Other names: c.3726+4C>T (NM_015074.3); c.3864+4C>T (NM_001365952.1).
Identifiers: ClinVar variation 2448772 (VCV002448772.5), dbSNP rs1652641233, ClinGen allele CA2574206450.

ClinVar aggregate classification (germline): Conflicting classifications of pathogenicity. Review status: criteria provided, conflicting classifications (1 of 4 stars). 3 submissions from 3 submitters: Uncertain significance (2); Likely benign (1). Last evaluated 2024-02-23.

Conditions:
Charcot-Marie-Tooth disease type 2. Also called: Charcot-Marie-Tooth type 2. Identifiers: Orphanet 64746, MedGen C0270914, MONDO:0018993.

Submissions (3):

Labcorp Genetics (formerly Invitae), Labcorp
Classification: Uncertain significance for Charcot-Marie-Tooth disease type 2. Last evaluated: 2024-02-23. Review status: criteria provided, single submitter. Criteria: Invitae Variant Classification Sherloc (09022015). Collection method: clinical testing. Allele origin: germline.
Comment: This sequence change falls in intron 34 of the KIF1B gene. It does not directly change the encoded amino acid sequence of the KIF1B protein. It affects a nucleotide within the consensus splice site. This variant is not present in population databases (gnomAD no frequency). This variant has not been reported in the literature in individuals affected with KIF1B-related conditions. ClinVar contains an entry for this variant (Variation ID: 2448772). Variants that disrupt the consensus splice site are a relatively common cause of aberrant splicing (PMID: 17576681, 9536098). Algorithms developed to predict the effect of sequence changes on RNA splicing suggest that this variant is not likely to affect RNA splicing. In summary, the available evidence is currently insufficient to determine the role of this variant in disease. Therefore, it has been classified as a Variant of Uncertain Significance.

Blueprint Genetics
Classification: Likely benign. Last evaluated: 2023-12-11. Review status: criteria provided, single submitter. Criteria: ACMG Guidelines, 2015. Collection method: clinical testing. Allele origin: germline.

Ambry Genetics
Classification: Uncertain significance. Last evaluated: 2023-02-28. Review status: criteria provided, single submitter. Criteria: Ambry Variant Classification Scheme 2023. Collection method: clinical testing. Allele origin: germline.
Comment: The c.3726+4C>T intronic variant results from a C to T substitution 4 nucleotides after coding exon 33 in the KIF1B gene. This nucleotide position is well conserved in available vertebrate species. In silico splice site analysis predicts that this alteration will not have any significant effect on splicing. The evidence for this gene-disease relationship is limited; therefore, the clinical significance of this alteration is unclear.

Literature cited by the submitters: PubMed 17576681 (cited by Labcorp Genetics (formerly Invitae), Labcorp); PubMed 9536098 (cited by Labcorp Genetics (formerly Invitae), Labcorp).